The following is an entry in ClinVar:

ClinVar aggregate classification (germline): Uncertain significance (1 of 4 stars; one submission).

Submission:

Labcorp Genetics (formerly Invitae), Labcorp
Classification: Uncertain significance. Last evaluated: 2023-12-16. Review status: criteria provided, single submitter. Criteria: Invitae Variant Classification Sherloc (09022015). Collection method: clinical testing. Allele origin: germline.
Comment: This sequence change replaces glycine, which is neutral and non-polar, with serine, which is neutral and polar, at codon 1301 of the KANK1 protein (p.Gly1301Ser). This variant is not present in population databases (gnomAD no frequency). This variant has not been reported in the literature in individuals affected with KANK1-related conditions. An algorithm developed to predict the effect of missense changes on protein structure and function (PolyPhen-2) suggests that this variant is likely to be disruptive. In summary, the available evidence is currently insufficient to determine the role of this variant in disease. Therefore, it has been classified as a Variant of Uncertain Significance.

NM_015158.5(KANK1):c.3901G>A (p.Gly1301Ser)

Gene: KANK1 (KN motif and ankyrin repeat domains 1; plus strand). Cytogenetic location: 9p24.3.
Variant type: single nucleotide variant.
Coding change: c.3901G>A on transcript NM_015158.5 (MANE Select); coding-DNA position 3901, G replaced by A.
Protein change: p.Gly1301Ser; replaces glycine 1301 with serine.
Molecular consequence: missense variant. On other transcripts: non-coding transcript variant (1).
Genome position (GRCh38, 1-based): chr9:744,494, G>A. VCF-style: chr9-744494-G-A. GRCh37 (hg19) VCF-style: chr9-744494-G-A.
Other names: c.3901G>A, p.Gly1301Ser (NM_001256876.3, NM_001256877.3, NM_001354334.2); c.3661G>A, p.Gly1221Ser (NM_001354331.2); c.3847G>A, p.Gly1283Ser (NM_001354332.2); c.3427G>A, p.Gly1143Ser (NM_001354333.2, NM_001354335.2, NM_001354337.2 and 2 more transcripts); c.3133G>A, p.Gly1045Ser (NM_001354336.2); c.3373G>A, p.Gly1125Ser (NM_001354338.2, NM_001354340.2, NM_001354344.2); c.3187G>A, p.Gly1063Ser (NM_001354339.2, NM_001354342.2, NM_001354343.2); short protein forms G1125S, G1283S, G1063S, G1045S, G1143S, G1221S, G1301S.
Identifiers: ClinVar variation 2790341 (VCV002790341.3), dbSNP rs2540856859, ClinGen allele CA372763419.